The following is an entry in ClinVar:

NM_001386298.1(CIC):c.255G>A (p.Pro85=)

Gene: CIC (capicua transcriptional repressor; plus strand). Cytogenetic location: 19q13.2.
Variant type: single nucleotide variant.
Coding change: c.255G>A on transcript NM_001386298.1 (MANE Select); coding-DNA position 255, G replaced by A.
Protein change: p.Pro85=; no amino-acid change (proline 85 retained).
Molecular consequence: synonymous variant.
Genome position (GRCh38, 1-based): chr19:42,272,038, G>A. VCF-style: chr19-42272038-G-A. GRCh37 (hg19) VCF-style: chr19-42776190-G-A.
Other names: c.255G>A, p.Pro85= (NM_001304815.2, NM_001379480.1, NM_001379482.1 and 1 more transcripts).
Identifiers: ClinVar variation 2672768 (VCV002672768.23), dbSNP rs1161854783, ClinGen allele CA507701593.

ClinVar aggregate classification (germline): Likely benign (1 of 4 stars; one submission).

Allele frequency attached by ClinVar (database versions not stated): TOPMed 0.00002.
gnomAD v4.1: 4 of 398,850 alleles (0.001%); highest among the groups gnomAD compares: Non-Finnish European, 0.0018%; no homozygotes.

Submission:

CeGaT Center for Human Genetics Tuebingen
Classification: Likely benign. Last evaluated: 2023-11-01. Review status: criteria provided, single submitter. Criteria: CeGaT Center For Human Genetics Tuebingen Variant Classification Criteria Version 2. Collection method: clinical testing. Allele origin: germline. Affected: yes. Observed: 1 variant allele.
Comment: CIC: PM2:Supporting, BP4, BP7